The following is an entry in ClinVar:

ClinVar aggregate classification (germline): Likely benign (0 of 4 stars; one submission).

Conditions:
NCKAP1-related disorder. Also called: NCKAP1-related condition.

Allele frequency attached by ClinVar (database versions not stated): ExAC 0.00005; gnomAD 0.00005; gnomAD exomes 0.00005; TOPMed 0.00007.
gnomAD v4.1: 93 of 1,612,484 alleles (0.0058%); highest among the groups gnomAD compares: Middle Eastern, 0.016%; 1 homozygote.

Submission:

PreventionGenetics, part of Exact Sciences
Classification: Likely benign for NCKAP1-related condition. Last evaluated: 2019-08-08. Review status: no assertion criteria provided. Collection method: clinical testing. Allele origin: germline.
Comment: This variant is classified as likely benign based on ACMG/AMP sequence variant interpretation guidelines (Richards et al. 2015 PMID: 25741868, with internal and published modifications).

NM_013436.5(NCKAP1):c.1860A>G (p.Glu620=)

Gene: NCKAP1 (NCK associated protein 1; minus strand). Cytogenetic location: 2q32.1.
Variant type: single nucleotide variant.
Coding change: c.1860A>G on transcript NM_013436.5 (MANE Select); coding-DNA position 1860, A replaced by G.
Protein change: p.Glu620=; no amino-acid change (glutamic acid 620 retained).
Molecular consequence: synonymous variant.
Genome position (GRCh38, 1-based): chr2:182,962,180, T>C on the plus strand (A>G on the coding strand, the complement: NCKAP1 is on the minus strand). VCF-style: chr2-182962180-T-C. GRCh37 (hg19) VCF-style: chr2-183826908-T-C.
Other names: c.1878A>G, p.Glu626= (NM_205842.3).
Identifiers: ClinVar variation 3034519 (VCV003034519.2), dbSNP rs770004612, ClinGen allele CA2014477.